The following is an entry in ClinVar:

NM_004006.3(DMD):c.926C>A (p.Thr309Asn)

Gene: DMD (dystrophin; minus strand). Cytogenetic location: Xp21.1.
Variant type: single nucleotide variant.
Coding change: c.926C>A on transcript NM_004006.3 (MANE Select); coding-DNA position 926, C replaced by A.
Protein change: p.Thr309Asn; replaces threonine 309 with asparagine.
Molecular consequence: missense variant.
Genome position (GRCh38, 1-based): chrX:32,697,904, G>T on the plus strand (C>A on the coding strand, the complement: DMD is on the minus strand). VCF-style: chrX-32697904-G-T. GRCh37 (hg19) VCF-style: chrX-32716021-G-T.
Other names: c.902C>A, p.Thr301Asn (NM_000109.4); c.914C>A, p.Thr305Asn (NM_004009.3); c.557C>A, p.Thr186Asn (NM_004010.3); short protein forms T301N, T309N, T186N, T305N.
Identifiers: ClinVar variation 2450337 (VCV002450337.2), dbSNP rs1164332102, ClinGen allele CA412668465.

ClinVar aggregate classification (germline): Uncertain significance (1 of 4 stars; one submission).

Conditions:
Cardiovascular phenotype. Identifiers: MedGen CN230736.

Allele frequency attached by ClinVar (database versions not stated): gnomAD exomes 0.00001.
gnomAD v4.1: 7 of 1,210,359 alleles (0.00058%); highest among the groups gnomAD compares: Non-Finnish European, 0.00078%; no homozygotes.

Submission:

Ambry Genetics
Classification: Uncertain significance for Cardiovascular phenotype. Last evaluated: 2022-11-04. Review status: criteria provided, single submitter. Criteria: Ambry Variant Classification Scheme 2023. Collection method: clinical testing. Allele origin: germline.
Comment: The p.T309N variant (also known as c.926C>A), located in coding exon 9 of the DMD gene, results from a C to A substitution at nucleotide position 926. The threonine at codon 309 is replaced by asparagine, an amino acid with similar properties. This amino acid position is not well conserved in available vertebrate species. In addition, this alteration is predicted to be tolerated by in silico analysis. Since supporting evidence is limited at this time, the clinical significance of this alteration remains unclear.